The following is an entry in ClinVar:

NM_018975.4(TERF2IP):c.1132A>G (p.Arg378Gly)

Gene: TERF2IP (TERF2 interacting protein; plus strand). Cytogenetic location: 16q23.1.
Variant type: single nucleotide variant.
Coding change: c.1132A>G on transcript NM_018975.4 (MANE Select); coding-DNA position 1132, A replaced by G.
Protein change: p.Arg378Gly; replaces arginine 378 with glycine.
Molecular consequence: missense variant. On other transcripts: non-coding transcript variant (1).
Genome position (GRCh38, 1-based): chr16:75,656,543, A>G. VCF-style: chr16-75656543-A-G. GRCh37 (hg19) VCF-style: chr16-75690441-A-G.
Other names: short protein forms R378G.
Identifiers: ClinVar variation 2561647 (VCV002561647.2), dbSNP rs2507089958, ClinGen allele CA396820331.

ClinVar aggregate classification (germline): Uncertain significance (1 of 4 stars; one submission).

Submission:

Ambry Genetics
Classification: Uncertain significance. Last evaluated: 2023-04-18. Review status: criteria provided, single submitter. Criteria: Ambry Variant Classification Scheme 2023. Collection method: clinical testing. Allele origin: germline.
Comment: The p.R378G variant (also known as c.1132A>G), located in coding exon 3 of the TERF2IP gene, results from an A to G substitution at nucleotide position 1132. The arginine at codon 378 is replaced by glycine, an amino acid with dissimilar properties. This amino acid position is conserved. In addition, this alteration is predicted to be tolerated by in silico analysis. Since supporting evidence is limited at this time, the clinical significance of this alteration remains unclear.